The following is an entry in ClinVar:

ClinVar aggregate classification (germline): Uncertain significance. Review status: criteria provided, multiple submitters, no conflicts (2 of 4 stars). 2 submissions from 2 submitters: Uncertain significance (2). Last evaluated 2026-01-08.

Allele frequency attached by ClinVar (database versions not stated): gnomAD exomes below 0.00001; TOPMed 0.00001.
gnomAD v4.1: 5 of 1,613,928 alleles (0.00031%); highest among the groups gnomAD compares: Non-Finnish European, 0.00042%; no homozygotes.

Submissions (2):

Labcorp Genetics (formerly Invitae), Labcorp
Classification: Uncertain significance. Last evaluated: 2026-01-08. Review status: criteria provided, single submitter. Criteria: Invitae Variant Classification Sherloc (09022015). Collection method: clinical testing. Allele origin: germline.
Comment: This sequence change replaces threonine, which is neutral and polar, with alanine, which is neutral and non-polar, at codon 49 of the GUCA1B protein (p.Thr49Ala). This variant is not present in population databases (gnomAD no frequency). This variant has not been reported in the literature in individuals affected with GUCA1B-related conditions. ClinVar contains an entry for this variant (Variation ID: 1018740). An algorithm developed to predict the effect of missense changes on protein structure and function outputs the following: PolyPhen-2: "Benign". The alanine amino acid residue is found in multiple mammalian species, which suggests that this missense change does not adversely affect protein function. In summary, the available evidence is currently insufficient to determine the role of this variant in disease. Therefore, it has been classified as a Variant of Uncertain Significance.

Ambry Genetics
Classification: Uncertain significance. Last evaluated: 2025-06-03. Review status: criteria provided, single submitter. Criteria: Ambry Variant Classification Scheme 2023. Collection method: clinical testing. Allele origin: germline.

NM_002098.6(GUCA1B):c.145A>G (p.Thr49Ala)

Gene: GUCA1B (guanylate cyclase activator 1B; minus strand). Cytogenetic location: 6p21.1.
Variant type: single nucleotide variant.
Coding change: c.145A>G on transcript NM_002098.6 (MANE Select); coding-DNA position 145, A replaced by G.
Protein change: p.Thr49Ala; replaces threonine 49 with alanine.
Molecular consequence: missense variant.
Genome position (GRCh38, 1-based): chr6:42,194,676, T>C on the plus strand (A>G on the coding strand, the complement: GUCA1B is on the minus strand). VCF-style: chr6-42194676-T-C. GRCh37 (hg19) VCF-style: chr6-42162414-T-C.
Other names: c.145A>G (NM_002098.5); short protein forms T49A.
Identifiers: ClinVar variation 1018740 (VCV001018740.9), dbSNP rs1471110454, ClinGen allele CA364113902.